The following is an entry in ClinVar:

NM_000540.3(RYR1):c.4717C>T (p.Pro1573Ser)

Gene: RYR1 (ryanodine receptor 1; plus strand). Cytogenetic location: 19q13.2.
Variant type: single nucleotide variant.
Coding change: c.4717C>T on transcript NM_000540.3 (MANE Select); coding-DNA position 4717, C replaced by T.
Protein change: p.Pro1573Ser; replaces proline 1573 with serine.
Molecular consequence: missense variant.
Genome position (GRCh38, 1-based): chr19:38,483,299, C>T. VCF-style: chr19-38483299-C-T. GRCh37 (hg19) VCF-style: chr19-38973939-C-T.
Other names: c.4717C>T, p.Pro1573Ser (NM_001042723.2); short protein forms P1573S.
Identifiers: ClinVar variation 429620 (VCV000429620.5), dbSNP rs1131691497, ClinGen allele CA405650082.

ClinVar aggregate classification (germline): Uncertain significance. Review status: criteria provided, multiple submitters, no conflicts (2 of 4 stars). 4 submissions from 4 submitters: Uncertain significance (4). Last evaluated 2025-06-09.

Conditions:
Inborn genetic diseases. Identifiers: MedGen C0950123, MeSH D030342.
Malignant hyperthermia, susceptibility to, 1 (MHS1). Also called: Anesthesia related hyperthermia; Malignant hyperpyrexia; Fulminating hyperpyrexia; Pharmacogenic myopathy; RYR1-Related Malignant Hyperthermia Susceptibility; Malignant hyperthermia suceptibility 1. Identifiers: Orphanet 423, MedGen C2930980, MONDO:0007783, OMIM 145600.

Allele frequency attached by ClinVar (database versions not stated): gnomAD exomes below 0.00001; TOPMed below 0.00001.
gnomAD v4.1: 2 of 1,558,824 alleles (0.00013%); highest among the groups gnomAD compares: Non-Finnish European, 0.00017%; no homozygotes.

Submissions (4):

Color Diagnostics, LLC DBA Color Health
Classification: Uncertain significance for Malignant hyperthermia, susceptibility to, 1. Last evaluated: 2025-06-09. Review status: criteria provided, single submitter. Criteria: ACMG Guidelines, 2015. Collection method: clinical testing. Allele origin: germline.
Comment: This missense variant replaces proline with serine at codon 1573 of the RYR1 protein. Computational prediction suggests that this variant may have deleterious impact on protein structure and function. To our knowledge, functional studies have not been reported for this variant. This variant has not been reported in individuals affected with RYR1-related disorders in the literature. This variant has been identified in 2/196126 chromosomes in the general population by the Genome Aggregation Database (gnomAD). The available evidence is insufficient to determine the role of this variant in disease conclusively. Therefore, this variant is classified as a Variant of Uncertain Significance.

Ambry Genetics
Classification: Uncertain significance for Inborn genetic diseases. Last evaluated: 2025-04-11. Review status: criteria provided, single submitter. Criteria: Ambry Variant Classification Scheme 2023. Collection method: clinical testing. Allele origin: germline.

All of Us Research Program, National Institutes of Health
Classification: Uncertain significance for Malignant hyperthermia, susceptibility to, 1. Last evaluated: 2023-12-01. Review status: criteria provided, single submitter. Criteria: ACMG Guidelines, 2015. Collection method: clinical testing. Allele origin: germline. Inheritance: Autosomal dominant inheritance. Observed: 2 variant alleles, 2 heterozygotes.
Comment: This missense variant replaces proline with serine at codon 1573 of the RYR1 protein. Computational prediction suggests that this variant may have deleterious impact on protein structure and function (internally defined REVEL score threshold >= 0.7, PMID: 27666373). To our knowledge, functional studies have not been reported for this variant. This variant has not been reported in individuals affected with RYR1-related disorders in the literature. This variant has been identified in 2/196126 chromosomes in the general population by the Genome Aggregation Database (gnomAD). The available evidence is insufficient to determine the role of this variant in disease conclusively. Therefore, this variant is classified as a Variant of Uncertain Significance.

This study involves interpretation of variants in research participants for the purpose of population health screening. Participant phenotype was not available at the time of variant classification. Additional details can be found in publication PMID: 35346344, PMCID: PMC8962531

GeneDx
Classification: Uncertain significance. Last evaluated: 2017-05-03. Review status: criteria provided, single submitter. Criteria: GeneDx Variant Classification (06012015). Collection method: clinical testing. Allele origin: germline. Affected: yes.
Comment: The P1573S variant has not been published as a pathogenic variant, nor has it been reported as a benign variant to our knowledge. The P1573S variant is not observed in large population cohorts (Lek et al., 2016; 1000 Genomes Consortium et al., 2015; Exome Variant Server). This variant is a non-conservative amino acid substitution, which is likely to impact secondary protein structure as these residues differ in polarity, charge, size and/or other properties. This substitution occurs at a position that is conserved across species, and missense variants in nearby residues (I1571V; A1577T) have been reported in the Human Gene Mutation Database in association with RYR1-related disorders (Stenson et al., 2014). In silico analysis predicts this variant is probably damaging to the protein structure/function.